The following is an entry in ClinVar:

ClinVar aggregate classification (germline): Likely benign (1 of 4 stars; one submission).

Allele frequency attached by ClinVar (database versions not stated): gnomAD exomes 0.00641; gnomAD 0.01530; TOPMed 0.01609; 1000 Genomes Project 0.01977; 1000 Genomes Project 30x 0.01999.
gnomAD v4.1: 7,782 of 994,626 alleles (0.78%); highest among the groups gnomAD compares: African/African-American, 4.3%; 137 homozygotes.

Submission:

GeneDx
Classification: Likely benign. Last evaluated: 2018-07-14. Review status: criteria provided, single submitter. Criteria: GeneDx Variant Classification Process June 2021. Collection method: clinical testing. Allele origin: germline. Affected: yes.
Comment: See Variant Classification Assertion Criteria.

NM_000199.5(SGSH):c.949+92T>A

Gene: SGSH (N-sulfoglucosamine sulfohydrolase; minus strand). Cytogenetic location: 17q25.3.
Variant type: single nucleotide variant.
Coding change: c.949+92T>A on transcript NM_000199.5 (MANE Select); 92 bases into the intron after coding-DNA position 949, T replaced by A.
Molecular consequence: intron variant.
Genome position (GRCh38, 1-based): chr17:80,211,979, A>T on the plus strand (T>A on the coding strand, the complement: SGSH is on the minus strand). VCF-style: chr17-80211979-A-T. GRCh37 (hg19) VCF-style: chr17-78185778-A-T.
Other names: c.949+92T>A (NM_001352921.3); c.950-56T>A (NM_001352922.2).
Identifiers: ClinVar variation 1706677 (VCV001706677.2), dbSNP rs9913131, ClinGen allele CA15899641.
Genomic context (GRCh38, chr17:80,211,979, plus strand): 5'-TTCCTCTGTAGAGTGGGAGTGACAGTCCCTTCCTCACCCAGATGATATGAGAGCCACATT[A>T]GGTAATGGGTGTGGAGCAGCATCTGACAGGTCATGGCCCCGTCCCAGATCCACTCCCACA-3'